The following is an entry in ClinVar:

ClinVar aggregate classification (germline): Likely benign. Review status: criteria provided, multiple submitters, no conflicts (2 of 4 stars). 2 submissions from 2 submitters: Likely benign (2). Last evaluated 2024-08-23.

Conditions:
Familial cancer of breast. Also called: BREAST CANCER, FAMILIAL; hereditary breast carcinoma; Hereditary breast cancer. Identifiers: Orphanet 227535, MedGen C0346153, MONDO:0016419, OMIM 114480. Disease mechanism: loss of function.
Fanconi anemia complementation group J. Also called: BRIP1-Related Fanconi Anemia. Identifiers: Orphanet 84, MedGen C1836860, MONDO:0012187, OMIM 609054.

Submissions (2):

Myriad Genetics, Inc.
Classification: Likely benign for Familial cancer of breast. Last evaluated: 2024-08-23. Review status: criteria provided, single submitter. Criteria: Myriad Autosomal Dominant, Autosomal Recessive and X-Linked Classification Criteria (2023). Collection method: clinical testing. Allele origin: unknown.
Comment: This variant is considered likely benign. This variant is intronic and is not expected to impact mRNA splicing.

Labcorp Genetics (formerly Invitae), Labcorp
Classification: Likely benign for Familial cancer of breast; Fanconi anemia complementation group J. Last evaluated: 2023-10-06. Review status: criteria provided, single submitter. Criteria: Invitae Variant Classification Sherloc (09022015). Collection method: clinical testing. Allele origin: germline.

NM_032043.3(BRIP1):c.1141-12T>C

Gene: BRIP1 (BRCA1 interacting DNA helicase 1; minus strand). Cytogenetic location: 17q23.2.
Variant type: single nucleotide variant.
Coding change: c.1141-12T>C on transcript NM_032043.3 (MANE Select); 12 bases into the intron before coding-DNA position 1141, T replaced by C.
Molecular consequence: intron variant.
Genome position (GRCh38, 1-based): chr17:61,799,311, A>G on the plus strand (T>C on the coding strand, the complement: BRIP1 is on the minus strand). VCF-style: chr17-61799311-A-G. GRCh37 (hg19) VCF-style: chr17-59876672-A-G.
Identifiers: ClinVar variation 2952627 (VCV002952627.4), dbSNP rs2145310983, ClinGen allele CA2639156563.